The following is an entry in ClinVar:

ClinVar aggregate classification (germline): Benign. Review status: criteria provided, single submitter (1 of 4 stars). 2 submissions from 2 submitters: Benign (1). 1 of the submissions does not count toward it. Last evaluated 2026-09-01.

Conditions:
GIGYF1-related disorder. Also called: GIGYF1-related condition.

Allele frequency attached by ClinVar (database versions not stated): gnomAD exomes 0.00058; ExAC 0.00160; gnomAD 0.00443; ESP Exome Variant Server 0.00477; TOPMed 0.00517; 1000 Genomes Project 0.00719; 1000 Genomes Project 30x 0.00828.

Submissions (2):

CeGaT Center for Human Genetics Tuebingen
Classification: Benign. Last evaluated: 2026-09-01. Review status: criteria provided, single submitter. Criteria: CeGaT Center For Human Genetics Tuebingen Variant Classification Criteria Version 2. Collection method: clinical testing. Allele origin: germline. Affected: yes. Observed: 2 variant alleles.
Comment: GIGYF1: BP4, BP7, BS1, BS2

PreventionGenetics, part of Exact Sciences
Classification: Benign for GIGYF1-related condition. Last evaluated: 2021-03-09. Review status: no assertion criteria provided. Collection method: clinical testing. Allele origin: germline. Not counted in ClinVar's aggregate classification.
Comment: This variant is classified as benign based on ACMG/AMP sequence variant interpretation guidelines (Richards et al. 2015 PMID: 25741868, with internal and published modifications).

NM_001375765.1(GIGYF1):c.231G>C (p.Leu77=)

Gene: GIGYF1 (GRB10 interacting GYF protein 1; minus strand). Cytogenetic location: 7q22.1.
Variant type: single nucleotide variant.
Coding change: c.231G>C on transcript NM_001375765.1 (MANE Select); coding-DNA position 231, G replaced by C.
Protein change: p.Leu77=; no amino-acid change (leucine 77 retained).
Molecular consequence: synonymous variant. On other transcripts: non-coding transcript variant (1).
Genome position (GRCh38, 1-based): chr7:100,687,818, C>G on the plus strand (G>C on the coding strand, the complement: GIGYF1 is on the minus strand). VCF-style: chr7-100687818-C-G. GRCh37 (hg19) VCF-style: chr7-100285441-C-G.
Other names: NM_022574.4:c.231G>C; c.231G>C, p.Leu77= (NM_001375759.1, NM_001375760.1, NM_001375761.1 and 6 more transcripts).
Identifiers: ClinVar variation 3044363 (VCV003044363.7), dbSNP rs145746727, ClinGen allele CA4389150.
Genomic context (GRCh38, chr7:100,687,818, plus strand): 5'-CCGCAGCCTCAGCTCCTGGCCCGGTCCCACCTGTTCCTCCTCAGTCAGCGGCTCCAGAGC[C>G]AGGGGCTGCAGTGGCTCGTCCTGCAGCACCGCGGCGAACTCCTTGTCCTGCAGCTCTTCC-3'
Protein context (NP_001362694.1, residues 67-87): AVLQDEPLQP[Leu77=]ALEPLTEEEQ